The following is an entry in ClinVar:

NM_033056.4(PCDH15):c.4415del (p.Val1472fs)

Gene: PCDH15 (protocadherin related 15; minus strand). Cytogenetic location: 10q21.1.
Variant type: Deletion.
Coding change: c.4415del on transcript NM_033056.4 (MANE Plus Clinical); coding-DNA position 4415, one base deleted (T; older notation c.4415delT).
Protein change: p.Val1472fs; shifts the reading frame from valine 1472.
Molecular consequence: frameshift variant. On other transcripts: intron variant (8).
Genome position (GRCh38, 1-based): chr10:53,823,311, A deleted on the plus strand (T on the coding strand, the reverse complement: PCDH15 is on the minus strand). VCF-style (leftmost placement, unchanged base first): chr10-53823310-GA-G. GRCh37 (hg19) VCF-style: chr10-55583070-GA-G.
Other names: c.4367+4082del (NM_001354429.2, NM_001354420.2); c.4368-3081del (NM_001384140.1); c.4373+1825del (NM_001142772.2, NM_001142770.3); c.4388+1825del (NM_001142771.2); c.4388+4082del (NM_001354411.2); c.4409+1825del (NM_001142769.3); c.4346del, p.Val1449fs (NM_001142773.2); c.4349del, p.Val1450fs (NM_001354404.2); and 6 more; short protein forms V1450fs, V1432fs, V1452fs, V1479fs, V1403fs, V1449fs, V1469fs, V1472fs.
Identifiers: ClinVar variation 2014580 (VCV002014580.4), dbSNP rs2492416400, ClinGen allele CA2580081676.

ClinVar aggregate classification (germline): Pathogenic (1 of 4 stars; one submission).

Submission:

Labcorp Genetics (formerly Invitae), Labcorp
Classification: Pathogenic. Last evaluated: 2022-07-06. Review status: criteria provided, single submitter. Criteria: Invitae Variant Classification Sherloc (09022015). Collection method: clinical testing. Allele origin: germline.
Comment: This sequence change creates a premature translational stop signal (p.Val1472Alafs*11) in the PCDH15 gene. While this is not anticipated to result in nonsense mediated decay, it is expected to disrupt the last 484 amino acid(s) of the PCDH15 protein. This variant is not present in population databases (gnomAD no frequency). This variant has not been reported in the literature in individuals affected with PCDH15-related conditions. This variant disrupts a region of the PCDH15 protein in which other variant(s) (p.Val1578Alafs*6) have been determined to be pathogenic (PMID: 33089500). This suggests that this is a clinically significant region of the protein, and that variants that disrupt it are likely to be disease-causing. For these reasons, this variant has been classified as Pathogenic.

Literature cited by the submitters: PubMed 33089500.